The following is an entry in ClinVar:

ClinVar aggregate classification (germline): Uncertain significance (1 of 4 stars; one submission).

gnomAD v4.1: 1 of 1,614,090 alleles (0.000062%); highest among the groups gnomAD compares: South Asian, 0.0011%; no homozygotes.

Submission:

GeneDx
Classification: Uncertain significance. Last evaluated: 2024-11-08. Review status: criteria provided, single submitter. Criteria: GeneDx Variant Classification Process June 2021. Collection method: clinical testing. Allele origin: germline. Affected: yes.
Comment: Not observed at significant frequency in large population cohorts (gnomAD); In silico analysis supports that this missense variant has a deleterious effect on protein structure/function; Has not been previously published as pathogenic or benign to our knowledge

NM_212482.4(FN1):c.7129T>C (p.Phe2377Leu)

Genes: ATIC (5-aminoimidazole-4-carboxamide ribonucleotide formyltransferase/IMP cyclohydrolase; plus strand), FN1 (fibronectin 1; minus strand). Cytogenetic location: 2q35.
Variant type: single nucleotide variant.
Coding change: c.7129T>C on transcript NM_212482.4 (MANE Select); coding-DNA position 7129, T replaced by C.
Protein change: p.Phe2377Leu; replaces phenylalanine 2377 with leucine.
Molecular consequence: missense variant.
Genome position (GRCh38, 1-based): chr2:215,365,520, A>G on the plus strand (T>C on the coding strand, the complement: FN1 is on the minus strand). VCF-style: chr2-215365520-A-G. GRCh37 (hg19) VCF-style: chr2-216230243-A-G.
Other names: c.7036T>C, p.Phe2346Leu (NM_001306129.2); c.6499T>C, p.Phe2167Leu (NM_001306130.2); c.6493T>C, p.Phe2165Leu (NM_001306131.2); c.6418T>C, p.Phe2140Leu (NM_001306132.2); c.6859T>C, p.Phe2287Leu (NM_001365517.2); c.6856T>C, p.Phe2286Leu (NM_001365518.2); c.6784T>C, p.Phe2262Leu (NM_001365519.2); c.6781T>C, p.Phe2261Leu (NM_001365520.2); and 8 more; short protein forms F2076L, F2140L, F2165L, F2166L, F2167L, F2171L, F2196L, F2230L.
Identifiers: ClinVar variation 3898979 (VCV003898979.1).